The following is an entry in ClinVar:

ClinVar aggregate classification (germline): Uncertain significance (1 of 4 stars; one submission).

Conditions:
Autosomal dominant epilepsy with auditory features. Identifiers: Orphanet 101046, MedGen C1838062, MONDO:0010898.

Submission:

Labcorp Genetics (formerly Invitae), Labcorp
Classification: Uncertain significance for Autosomal dominant epilepsy with auditory features. Last evaluated: 2020-02-03. Review status: criteria provided, single submitter. Criteria: Invitae Variant Classification Sherloc (09022015). Collection method: clinical testing. Allele origin: germline.
Comment: In summary, the available evidence is currently insufficient to determine the role of this variant in disease. Therefore, it has been classified as a Variant of Uncertain Significance. Algorithms developed to predict the effect of missense changes on protein structure and function (SIFT, PolyPhen-2, Align-GVGD) all suggest that this variant is likely to be tolerated, but these predictions have not been confirmed by published functional studies and their clinical significance is uncertain. This variant has not been reported in the literature in individuals with LGI1-related conditions. This variant is not present in population databases (ExAC no frequency). This sequence change replaces lysine with arginine at codon 41 of the LGI1 protein (p.Lys41Arg). The lysine residue is moderately conserved and there is a small physicochemical difference between lysine and arginine.

NM_005097.4(LGI1):c.122A>G (p.Lys41Arg)

Gene: LGI1 (leucine rich glioma inactivated 1; plus strand). Cytogenetic location: 10q23.33.
Variant type: single nucleotide variant.
Coding change: c.122A>G on transcript NM_005097.4 (MANE Select); coding-DNA position 122, A replaced by G.
Protein change: p.Lys41Arg; replaces lysine 41 with arginine.
Molecular consequence: missense variant. On other transcripts: non-coding transcript variant (1).
Genome position (GRCh38, 1-based): chr10:93,758,266, A>G. VCF-style: chr10-93758266-A-G. GRCh37 (hg19) VCF-style: chr10-95518023-A-G.
Other names: c.122A>G, p.Lys41Arg (NM_001308275.2, NM_001308276.2); short protein forms K41R.
Identifiers: ClinVar variation 1034558 (VCV001034558.48), dbSNP rs2059585290, ClinGen allele CA377631305.
Genomic context (GRCh38, chr10:93,758,266, plus strand): 5'-ATTTCCTATGTCTCTTATCTGCGCTTTTGCTGACTGAGGGGAAGAAACCAGCGAAGCCAA[A>G]ATGCCCTGCCGTGTGTACTTGTACCAAAGATAATGCTTTATGTGAGAATGCCAGATCCAT-3'
Protein context (NP_005088.1, residues 31-51): LTEGKKPAKP[Lys41Arg]CPAVCTCTKD